The following is an entry in ClinVar:

ClinVar aggregate classification (germline): Uncertain significance (1 of 4 stars; one submission).

Conditions:
Inborn genetic diseases. Identifiers: MedGen C0950123, MeSH D030342.

Submission:

Ambry Genetics
Classification: Uncertain significance for Inborn genetic diseases. Last evaluated: 2026-05-24. Review status: criteria provided, single submitter. Criteria: Ambry Variant Classification Scheme 2023. Collection method: clinical testing. Allele origin: germline.
Comment: The p.G70V variant (also known as c.209G>T), located in coding exon 2 of the HAX1 gene, results from a G to T substitution at nucleotide position 209. The glycine at codon 70 is replaced by valine, an amino acid with dissimilar properties. This amino acid position is conserved. In addition, this alteration is predicted to be tolerated by in silico analysis. Based on the available evidence, the clinical significance of this variant remains unclear.

NM_006118.4(HAX1):c.209G>T (p.Gly70Val)

Gene: HAX1 (HCLS1 associated protein X-1; plus strand). Cytogenetic location: 1q21.3.
Variant type: single nucleotide variant.
Coding change: c.209G>T on transcript NM_006118.4 (MANE Select); coding-DNA position 209, G replaced by T.
Protein change: p.Gly70Val; replaces glycine 70 with valine.
Molecular consequence: missense variant.
Genome position (GRCh38, 1-based): chr1:154,273,491, G>T. VCF-style: chr1-154273491-G-T. GRCh37 (hg19) VCF-style: chr1-154245967-G-T.
Other names: c.65G>T, p.Gly22Val (NM_001018837.2); short protein forms G22V, G70V.
Identifiers: ClinVar variation 4858284 (VCV004858284.1).